The following is an entry in ClinVar:

ClinVar aggregate classification (germline): Uncertain significance (1 of 4 stars; one submission).

Conditions:
Hereditary cancer-predisposing syndrome. Also called: Neoplastic Syndromes, Hereditary; Tumor predisposition; Hereditary Cancer Syndrome; Hereditary neoplastic syndrome. Identifiers: Orphanet 140162, MedGen C0027672, MeSH D009386, MONDO:0015356.

Submission:

Ambry Genetics
Classification: Uncertain significance for Hereditary cancer-predisposing syndrome. Last evaluated: 2026-05-30. Review status: criteria provided, single submitter. Criteria: Ambry Variant Classification Scheme 2023. Collection method: clinical testing. Allele origin: germline.
Comment: The p.P396T variant (also known as c.1186C>A), located in coding exon 4 of the BARD1 gene, results from a C to A substitution at nucleotide position 1186. The proline at codon 396 is replaced by threonine, an amino acid with highly similar properties. This amino acid position is conserved. In addition, this alteration is predicted to be tolerated by in silico analysis. Based on the available evidence, the clinical significance of this variant remains unclear.

NM_000465.4(BARD1):c.1186C>A (p.Pro396Thr)

Gene: BARD1 (BRCA1 associated RING domain 1; minus strand). Cytogenetic location: 2q35.
Variant type: single nucleotide variant.
Coding change: c.1186C>A on transcript NM_000465.4 (MANE Select); coding-DNA position 1186, C replaced by A.
Protein change: p.Pro396Thr; replaces proline 396 with threonine.
Molecular consequence: missense variant. On other transcripts: non-coding transcript variant (2), intron variant (3).
Genome position (GRCh38, 1-based): chr2:214,780,688, G>T on the plus strand (C>A on the coding strand, the complement: BARD1 is on the minus strand). VCF-style: chr2-214780688-G-T. GRCh37 (hg19) VCF-style: chr2-215645412-G-T.
Other names: c.1129C>A, p.Pro377Thr (NM_001282543.2); c.159-28133C>A (NM_001282548.2); c.215+16373C>A (NM_001282545.2); c.364+11609C>A (NM_001282549.2); short protein forms P377T, P396T.
Identifiers: ClinVar variation 4867406 (VCV004867406.1).
Genomic context (GRCh38, chr2:214,780,688, plus strand): 5'-GCTTCATTGCTGAGGGACTAGACATCACTCGCCTGTAACTTGAACTACTTAATGTAGAAG[G>T]TGGTGTACCTGGTGAAAGACTAATGAATTCATCGGACATGTTACTGTTTTTCCTCCCTGA-3'
Protein context (NP_000456.2, residues 386-406): EFISLSPGTP[Pro396Thr]STLSSSSYRR